The following is an entry in ClinVar:

NM_000397.4(CYBB):c.271C>T (p.Arg91Ter)

Gene: CYBB (cytochrome b-245 beta chain; plus strand). Cytogenetic location: Xp21.1.
Variant type: single nucleotide variant.
Coding change: c.271C>T on transcript NM_000397.4 (MANE Select); coding-DNA position 271, C replaced by T.
Protein change: p.Arg91Ter; replaces arginine 91 with a stop codon.
Molecular consequence: nonsense.
Genome position (GRCh38, 1-based): chrX:37,791,993, C>T. VCF-style: chrX-37791993-C-T. GRCh37 (hg19) VCF-style: chrX-37651246-C-T.
Other names: short protein forms R91*.
Identifiers: ClinVar variation 279794 (VCV000279794.10), dbSNP rs886041192, ClinGen allele CA10603661.
Genomic context (GRCh38, chrX:37,791,993, plus strand): 5'-TGTTAACAATTACTATTCCATTCTTTCCCCCTTAATCCAAAGTGCTGCTCAACAAGAGTT[C>T]GAAGACAACTGGACAGGAATCTCACCTTTCATAAAATGGTGGCATGGATGATTGCACTTC-3'

ClinVar aggregate classification (germline): Pathogenic. Review status: criteria provided, multiple submitters, no conflicts (2 of 4 stars). 4 submissions from 4 submitters: Pathogenic (4). Last evaluated 2025-07-09.

Conditions:
CYBB-related disorders.
Granulomatous disease, chronic, X-linked. Also called: GRANULOMATOUS DISEASE, CHRONIC, X-LINKED, SOMATIC MOSAIC; CYTOCHROME b-NEGATIVE GRANULOMATOUS DISEASE, CHRONIC, X-LINKED. Identifiers: Orphanet 379, MedGen C1844376, MONDO:0010600, OMIM 306400.

Submissions (4):

3billion
Classification: Pathogenic for Granulomatous disease, chronic, X-linked. Last evaluated: 2025-07-09. Review status: criteria provided, single submitter. Criteria: ACMG Guidelines, 2015. Collection method: clinical testing. Allele origin: germline. Affected: yes.
Comment: The variant is not observed in the gnomAD v4.1.0 dataset. Predicted Consequence/Location: Stop-gained (nonsense): predicted to result in a loss or disruption of normal protein function through nonsense-mediated decay (NMD) or protein truncation. Multiple pathogenic variants are reported downstream of the variant. The variant has been reported at least twice as pathogenic without evidence for the classification (ClinVar ID: VCV000279794 /PMID: 8070813 /3billion dataset). Therefore, this variant is classified as Pathogenic according to the recommendation of ACMG/AMP guideline.

Labcorp Genetics (formerly Invitae), Labcorp
Classification: Pathogenic for Granulomatous disease, chronic, X-linked. Last evaluated: 2024-11-05. Review status: criteria provided, single submitter. Criteria: Invitae Variant Classification Sherloc (09022015). Collection method: clinical testing. Allele origin: germline.
Comment: This sequence change creates a premature translational stop signal (p.Arg91*) in the CYBB gene. It is expected to result in an absent or disrupted protein product. Loss-of-function variants in CYBB are known to be pathogenic (PMID: 9585602, 20729109). This variant is not present in population databases (gnomAD no frequency). This premature translational stop signal has been observed in individual(s) with chronic granulomatous disease (PMID: 8070813, 29702544, 33629196). ClinVar contains an entry for this variant (Variation ID: 279794). For these reasons, this variant has been classified as Pathogenic.

Blueprint Genetics
Classification: Pathogenic for CYBB-related disorders. Last evaluated: 2020-05-26. Review status: criteria provided, single submitter. Criteria: ACMG Guidelines, 2015. Collection method: clinical testing. Allele origin: germline. Affected: yes. Observed: 2 variant alleles.

GeneDx
Classification: Pathogenic. Last evaluated: 2016-09-30. Review status: criteria provided, single submitter. Criteria: GeneDx Variant Classification (06012015). Collection method: clinical testing. Allele origin: germline. Affected: yes.
Comment: The R91X nonsense variant in the CYBB gene has been reported previously in association with X-linked CGD (Roos et al., 1994; Jakobsen et al., 2012; de Oliveira-Junior et al., 2015). The variant was not observed in approximately 6,500 individuals of European and African American ancestry in the NHLBI Exome Sequencing Project, indicating it is not a common benign variant in these populations. This pathogenic variant is predicted to cause loss of normal protein function either through protein truncation or nonsense-mediated mRNA decay.

Literature cited by the submitters: PubMed 8070813 (cited by 3billion and Labcorp Genetics (formerly Invitae), Labcorp); PubMed 9585602 (cited by Labcorp Genetics (formerly Invitae), Labcorp); PubMed 20729109 (cited by Labcorp Genetics (formerly Invitae), Labcorp); PubMed 29702544 (cited by Labcorp Genetics (formerly Invitae), Labcorp); PubMed 33629196 (cited by Labcorp Genetics (formerly Invitae), Labcorp).